The following is an entry in ClinVar:

NM_147127.5(EVC2):c.284-155A>G

Gene: EVC2 (EvC ciliary complex subunit 2; minus strand). Cytogenetic location: 4p16.2.
Variant type: single nucleotide variant.
Coding change: c.284-155A>G on transcript NM_147127.5 (MANE Select); 155 bases into the intron before coding-DNA position 284, A replaced by G.
Molecular consequence: intron variant.
Genome position (GRCh38, 1-based): chr4:5,694,656, T>C on the plus strand (A>G on the coding strand, the complement: EVC2 is on the minus strand). VCF-style: chr4-5694656-T-C. GRCh37 (hg19) VCF-style: chr4-5696383-T-C.
Other names: NC_000004.11:g.5696383T>C; c.44-155A>G (NM_001166136.2).
Identifiers: ClinVar variation 669977 (VCV000669977.2), dbSNP rs11936402, ClinGen allele CA11860830.
Genomic context (GRCh38, chr4:5,694,656, plus strand): 5'-GTACTTAGAAGACGTTTGTTGGGTAAGTAAGTTAATGAAGGAATGAATGATATCATCTCT[T>C]TGCCAGGAAAATGAGACATGCTCACTGGGATGCTACAGAACTTAAGAAGAGCATTTTTCA-3'

ClinVar aggregate classification (germline): Benign (1 of 4 stars; one submission).

Allele frequency attached by ClinVar (database versions not stated): gnomAD 0.24206 and 0.24346; TOPMed 0.24769; 1000 Genomes Project 0.26637; 1000 Genomes Project 30x 0.26437.
gnomAD v4.1: 36,943 of 152,086 alleles (24%); highest among the groups gnomAD compares: East Asian, 28%; 4,624 homozygotes.

Submissions (10):

GeneDx
Classification: Benign. Last evaluated: 2018-06-14. Review status: criteria provided, single submitter. Criteria: GeneDx Variant Classification (06012015). Collection method: clinical testing. Allele origin: germline. Affected: yes.
Comment: This variant is considered likely benign or benign based on one or more of the following criteria: it is a conservative change, it occurs at a poorly conserved position in the protein, it is predicted to be benign by multiple in silico algorithms, and/or has population frequency not consistent with disease.

Dr. Peter K. Rogan Lab, Western University
No classification provided (evidence only). Condition: Cholangiocarcinoma. Review status: no classification provided. Collection method: in vitro. Allele origin: not applicable. Functional consequence: retained intron. Not counted in ClinVar's aggregate classification.

Dr. Peter K. Rogan Lab, Western University
No classification provided (evidence only). Condition: Cholangiocarcinoma. Review status: no classification provided. Collection method: in vitro. Allele origin: not applicable. Functional consequence: retained intron. Not counted in ClinVar's aggregate classification.

Dr. Peter K. Rogan Lab, Western University
No classification provided (evidence only). Condition: Cholangiocarcinoma. Review status: no classification provided. Collection method: in vitro. Allele origin: not applicable. Functional consequence: retained intron. Not counted in ClinVar's aggregate classification.

Dr. Peter K. Rogan Lab, Western University
No classification provided (evidence only). Condition: Uterine carcinosarcoma. Review status: no classification provided. Collection method: in vitro. Allele origin: not applicable. Functional consequence: retained intron. Not counted in ClinVar's aggregate classification.

Dr. Peter K. Rogan Lab, Western University
No classification provided (evidence only). Condition: Uterine carcinosarcoma. Review status: no classification provided. Collection method: in vitro. Allele origin: not applicable. Functional consequence: retained intron. Not counted in ClinVar's aggregate classification.

Dr. Peter K. Rogan Lab, Western University
No classification provided (evidence only). Condition: Uterine carcinosarcoma. Review status: no classification provided. Collection method: in vitro. Allele origin: not applicable. Functional consequence: retained intron. Not counted in ClinVar's aggregate classification.

Dr. Peter K. Rogan Lab, Western University
No classification provided (evidence only). Condition: Uterine carcinosarcoma. Review status: no classification provided. Collection method: in vitro. Allele origin: not applicable. Functional consequence: retained intron. Not counted in ClinVar's aggregate classification.

Dr. Peter K. Rogan Lab, Western University
No classification provided (evidence only). Condition: Uterine carcinosarcoma. Review status: no classification provided. Collection method: in vitro. Allele origin: not applicable. Functional consequence: retained intron. Not counted in ClinVar's aggregate classification.

Dr. Peter K. Rogan Lab, Western University
No classification provided (evidence only). Condition: Uterine carcinosarcoma. Review status: no classification provided. Collection method: in vitro. Allele origin: not applicable. Functional consequence: retained intron. Not counted in ClinVar's aggregate classification.